The following is an entry in ClinVar:

ClinVar aggregate classification (germline): Benign/Likely benign. Review status: criteria provided, multiple submitters, no conflicts (2 of 4 stars). 3 submissions from 3 submitters: Benign (1); Likely benign (1). 1 of the submissions does not count toward it. Last evaluated 2025-11-08.

Conditions:
DNAH1-related disorder. Also called: DNAH1-related condition.
Spermatogenic failure 18. Identifiers: MedGen C4539783, MONDO:0054615, OMIM 617576.
Ciliary dyskinesia, primary, 37 (CILD37). Also called: CILIARY DYSKINESIA, PRIMARY, 37, WITH OR WITHOUT SITUS INVERSUS. Identifiers: MedGen C4539798, MONDO:0033204, OMIM 617577.

Allele frequency attached by ClinVar (database versions not stated): 1000 Genomes Project 30x 0.00031; 1000 Genomes Project 0.00040; ESP Exome Variant Server 0.00057; TOPMed 0.00072.
gnomAD v4.1: 281 of 1,603,872 alleles (0.018%); highest among the groups gnomAD compares: African/African-American, 0.26%; no homozygotes.

Submissions (3):

Labcorp Genetics (formerly Invitae), Labcorp
Classification: Benign for Ciliary dyskinesia, primary, 37; Spermatogenic failure 18. Last evaluated: 2025-11-08. Review status: criteria provided, single submitter. Criteria: Invitae Variant Classification Sherloc (09022015). Collection method: clinical testing. Allele origin: germline.

Blueprint Genetics
Classification: Likely benign. Last evaluated: 2024-10-24. Review status: criteria provided, single submitter. Criteria: ACMG Guidelines, 2015. Collection method: clinical testing. Allele origin: germline.

PreventionGenetics, part of Exact Sciences
Classification: Likely benign for DNAH1-related condition. Last evaluated: 2024-09-17. Review status: no assertion criteria provided. Collection method: clinical testing. Allele origin: germline. Not counted in ClinVar's aggregate classification.
Comment: This variant is classified as likely benign based on ACMG/AMP sequence variant interpretation guidelines (Richards et al. 2015 PMID: 25741868, with internal and published modifications).

NM_015512.5(DNAH1):c.4080C>T (p.Ile1360=)

Gene: DNAH1 (dynein axonemal heavy chain 1; plus strand). Cytogenetic location: 3p21.1.
Variant type: single nucleotide variant.
Coding change: c.4080C>T on transcript NM_015512.5 (MANE Select); coding-DNA position 4080, C replaced by T.
Protein change: p.Ile1360=; no amino-acid change (isoleucine 1360 retained).
Molecular consequence: synonymous variant.
Genome position (GRCh38, 1-based): chr3:52,357,997, C>T. VCF-style: chr3-52357997-C-T. GRCh37 (hg19) VCF-style: chr3-52392013-C-T.
Identifiers: ClinVar variation 544671 (VCV000544671.13), dbSNP rs199624371, ClinGen allele CA2433791.
Genomic context (GRCh38, chr3:52,357,997, plus strand): 5'-GTCGCAGACAAAGGACCCCACGGCCGTGCAGCCACACCTGCGCAAGTGCTTCGAGAACAT[C>T]GCTCGGGTGGGCAGCTGGGCCCGGGGCTCAGGGCTGGGAGCATGGGGCATCTTCCCAGGG-3'
Protein context (NP_056327.4, residues 1350-1370): QPHLRKCFEN[Ile1360=]ARLLFQEDLE